The following is an entry in ClinVar:

ClinVar aggregate classification (germline): Likely benign (1 of 4 stars; one submission).

Allele frequency attached by ClinVar (database versions not stated): ExAC 0.00143; 1000 Genomes Project 0.00200; 1000 Genomes Project 30x 0.00219; gnomAD 0.00317; ESP Exome Variant Server 0.00329; TOPMed 0.00384.

Submission:

CeGaT Center for Human Genetics Tuebingen
Classification: Likely benign. Last evaluated: 2022-03-01. Review status: criteria provided, single submitter. Criteria: CeGaT Center For Human Genetics Tuebingen Variant Classification Criteria Version 2. Collection method: clinical testing. Allele origin: germline. Affected: yes. Observed: 1 variant allele.
Comment: URB1: BP4, BP7

NM_014825.3(URB1):c.6255C>T (p.Pro2085=)

Gene: URB1 (URB1 ribosome biogenesis factor; minus strand). Cytogenetic location: 21q22.11.
Variant type: single nucleotide variant.
Coding change: c.6255C>T on transcript NM_014825.3 (MANE Select); coding-DNA position 6255, C replaced by T.
Protein change: p.Pro2085=; no amino-acid change (proline 2085 retained).
Molecular consequence: synonymous variant.
Genome position (GRCh38, 1-based): chr21:32,316,845, G>A on the plus strand (C>T on the coding strand, the complement: URB1 is on the minus strand). VCF-style: chr21-32316845-G-A. GRCh37 (hg19) VCF-style: chr21-33689156-G-A.
Identifiers: ClinVar variation 2652595 (VCV002652595.24), dbSNP rs139492775, ClinGen allele CA10001184.